The following is an entry in ClinVar:

ClinVar aggregate classification (germline): Likely benign. Review status: criteria provided, multiple submitters, no conflicts (2 of 4 stars). 2 submissions from 2 submitters: Likely benign (2). Last evaluated 2018-06-18.

Allele frequency attached by ClinVar (database versions not stated): 1000 Genomes Project 30x 0.00468; 1000 Genomes Project 0.00499; gnomAD 0.00645 and 0.00666; TOPMed 0.00710; gnomAD exomes 0.00833.
gnomAD v4.1: 12,310 of 1,509,188 alleles (0.82%); highest among the groups gnomAD compares: South Asian, 1.3%; 83 homozygotes.

Submissions (2):

GeneDx
Classification: Likely benign. Last evaluated: 2018-06-18. Review status: criteria provided, single submitter. Criteria: GeneDx Variant Classification (06012015). Collection method: clinical testing. Allele origin: germline. Affected: yes.
Comment: This variant is considered likely benign or benign based on one or more of the following criteria: it is a conservative change, it occurs at a poorly conserved position in the protein, it is predicted to be benign by multiple in silico algorithms, and/or has population frequency not consistent with disease.

Breakthrough Genomics
Classification: Likely benign. Review status: criteria provided, single submitter. Criteria: ACMG Guidelines, 2015. Collection method: not provided. Allele origin: germline. Inheritance: Autosomal dominant inheritance. Affected: yes.

NM_000368.5(TSC1):c.508+99T>C

Gene: TSC1 (TSC complex subunit 1; minus strand). Cytogenetic location: 9q34.13.
Variant type: single nucleotide variant.
Coding change: c.508+99T>C on transcript NM_000368.5 (MANE Select); 99 bases into the intron after coding-DNA position 508, T replaced by C.
Molecular consequence: intron variant.
Genome position (GRCh38, 1-based): chr9:132,923,249, A>G on the plus strand (T>C on the coding strand, the complement: TSC1 is on the minus strand). VCF-style: chr9-132923249-A-G. GRCh37 (hg19) VCF-style: chr9-135798636-A-G.
Other names: c.145+99T>C (NM_001362177.2); c.355+99T>C (NM_001162427.2); c.508+99T>C (NM_001162426.2).
Identifiers: ClinVar variation 676716 (VCV000676716.2), dbSNP rs138277642, ClinGen allele CA200901527.